The following is an entry in ClinVar:

NM_001330588.2(TPP2):c.3601C>T (p.His1201Tyr)

Gene: TPP2 (tripeptidyl peptidase 2; plus strand). Cytogenetic location: 13q33.1.
Variant type: single nucleotide variant.
Coding change: c.3601C>T on transcript NM_001330588.2 (MANE Select); coding-DNA position 3601, C replaced by T.
Protein change: p.His1201Tyr; replaces histidine 1201 with tyrosine.
Molecular consequence: missense variant. On other transcripts: non-coding transcript variant (1).
Genome position (GRCh38, 1-based): chr13:102,676,317, C>T. VCF-style: chr13-102676317-C-T. GRCh37 (hg19) VCF-style: chr13-103328667-C-T.
Other names: c.3688C>T, p.His1230Tyr (NM_001367947.1); c.3562C>T, p.His1188Tyr (NM_003291.4); short protein forms H1188Y, H1201Y, H1230Y.
Identifiers: ClinVar variation 2050010 (VCV002050010.3), dbSNP rs370475170, ClinGen allele CA7038324.

ClinVar aggregate classification (germline): Uncertain significance (1 of 4 stars; one submission).

Conditions:
Evans syndrome, immunodeficiency, and premature immunosenescence associated with tripeptidyl-peptidase II deficiency. Identifiers: MedGen CN231723. Disease mechanism: loss of function.

Allele frequency attached by ClinVar (database versions not stated): TOPMed 0.00002; ExAC 0.00003; gnomAD 0.00003; gnomAD exomes 0.00004; ESP Exome Variant Server 0.00008.
gnomAD v4.1: 57 of 1,603,216 alleles (0.0036%); highest among the groups gnomAD compares: Non-Finnish European, 0.0047%; 1 homozygote.

Submission:

Labcorp Genetics (formerly Invitae), Labcorp
Classification: Uncertain significance for Evans syndrome, immunodeficiency, and premature immunosenescence associated with tripeptidyl-peptidase II deficiency. Last evaluated: 2024-07-17. Review status: criteria provided, single submitter. Criteria: Invitae Variant Classification Sherloc (09022015). Collection method: clinical testing. Allele origin: germline.
Comment: This sequence change replaces histidine, which is basic and polar, with tyrosine, which is neutral and polar, at codon 1188 of the TPP2 protein (p.His1188Tyr). This variant is present in population databases (rs370475170, gnomAD 0.009%). This variant has not been reported in the literature in individuals affected with TPP2-related conditions. ClinVar contains an entry for this variant (Variation ID: 2050010). An algorithm developed to predict the effect of missense changes on protein structure and function (PolyPhen-2) suggests that this variant¬†is likely to be tolerated. In summary, the available evidence is currently insufficient to determine the role of this variant in disease. Therefore, it has been classified as a Variant of Uncertain Significance.